The following is an entry in ClinVar:

ClinVar aggregate classification (germline): Uncertain significance (1 of 4 stars; one submission).

Submission:

GeneDx
Classification: Uncertain significance. Last evaluated: 2021-03-22. Review status: criteria provided, single submitter. Criteria: GeneDx Variant Classification Process June 2021. Collection method: clinical testing. Allele origin: germline. Affected: yes.
Comment: This variant in the p14-ARF isoform is not expected to affect the p16 protein; Not observed in large population cohorts (Lek 2016); Has not been previously published as pathogenic or benign to our knowledge; In silico analysis supports that this missense variant has a deleterious effect on protein structure/function

NM_058195.4(CDKN2A):c.29G>A (p.Arg10Gln)

Gene: CDKN2A (cyclin dependent kinase inhibitor 2A; minus strand). Cytogenetic location: 9p21.3.
Variant type: single nucleotide variant.
Coding change: c.29G>A on transcript NM_058195.4 (MANE Plus Clinical); coding-DNA position 29, G replaced by A.
Protein change: p.Arg10Gln; replaces arginine 10 with glutamine.
Molecular consequence: missense variant. On other transcripts: intron variant (1).
Genome position (GRCh38, 1-based): chr9:21,994,303, C>T on the plus strand (G>A on the coding strand, the complement: CDKN2A is on the minus strand). VCF-style: chr9-21994303-C-T. GRCh37 (hg19) VCF-style: chr9-21994302-C-T.
Other names: c.-4+518G>A (NM_001363763.2); short protein forms R10Q.
Identifiers: ClinVar variation 1320859 (VCV001320859.4), dbSNP rs2131148973, ClinGen allele CA373087083.
Genomic context (GRCh38, chr9:21,994,303, plus strand): 5'-AGCCGCGGGATGTGAACCACGAAAACCCTCACTCGCGGCGGGCCGCACGCGCGCCGAATC[C>T]GGAGGGTCACCAAGAACCTGCGCACCATGTTCTCGCCGCCTCCAGGGCCGAGCTCGGCAG-3'
Protein context (NP_478102.2, residues 1-20): MVRRFLVTL[Arg10Gln]IRRACGPPRV